The following is an entry in ClinVar:

ClinVar aggregate classification (germline): Likely benign (1 of 4 stars; one submission).

gnomAD v4.1: 1 of 1,614,076 alleles (0.000062%); highest among the groups gnomAD compares: East Asian, 0.0022%; no homozygotes.

Submission:

CeGaT Center for Human Genetics Tuebingen
Classification: Likely benign. Last evaluated: 2026-06-01. Review status: criteria provided, single submitter. Criteria: CeGaT Center For Human Genetics Tuebingen Variant Classification Criteria Version 2. Collection method: clinical testing. Allele origin: germline. Affected: yes. Observed: 1 variant allele.
Comment: ACTC1: BP4, BP7

NM_005159.5(ACTC1):c.390T>C (p.Asn130=)

Genes: ACTC1 (actin alpha cardiac muscle 1; minus strand), GJD2-DT (GJD2 divergent transcript; plus strand). Cytogenetic location: 15q14.
Variant type: single nucleotide variant.
Coding change: c.390T>C on transcript NM_005159.5 (MANE Select); coding-DNA position 390, T replaced by C.
Protein change: p.Asn130=; no amino-acid change (asparagine 130 retained).
Molecular consequence: synonymous variant. On other transcripts: missense variant (1), initiator codon variant (1).
Genome position (GRCh38, 1-based): chr15:34,793,309, A>G on the plus strand (T>C on the coding strand, the complement: ACTC1 is on the minus strand). VCF-style: chr15-34793309-A-G. GRCh37 (hg19) VCF-style: chr15-35085510-A-G.
Other names: c.390T>C, p.Asn130= (NM_001406482.1, NM_001406483.1); c.255T>C, p.Asn85= (NM_001406484.1); c.2T>C, p.Met1Thr (NM_001406485.1); short protein forms M1T.
Identifiers: ClinVar variation 4873401 (VCV004873401.2).